The following is an entry in ClinVar:

ClinVar aggregate classification (germline): Uncertain significance (1 of 4 stars; one submission).

Submission:

Labcorp Genetics (formerly Invitae), Labcorp
Classification: Uncertain significance. Last evaluated: 2023-02-16. Review status: criteria provided, single submitter. Criteria: Invitae Variant Classification Sherloc (09022015). Collection method: clinical testing. Allele origin: germline.
Comment: In summary, the available evidence is currently insufficient to determine the role of this variant in disease. Therefore, it has been classified as a Variant of Uncertain Significance. Experimental studies and prediction algorithms are not available or were not evaluated, and the functional significance of this variant is currently unknown. This variant has not been reported in the literature in individuals affected with POLD2-related conditions. This variant is not present in population databases (gnomAD no frequency). This sequence change replaces lysine, which is basic and polar, with glutamine, which is neutral and polar, at codon 116 of the POLD2 protein (p.Lys116Gln).

NM_006230.4(POLD2):c.241A>C (p.Lys81Gln)

Gene: POLD2 (DNA polymerase delta 2, accessory subunit; minus strand). Cytogenetic location: 7p13.
Variant type: single nucleotide variant.
Coding change: c.241A>C on transcript NM_006230.4 (MANE Select); coding-DNA position 241, A replaced by C.
Protein change: p.Lys81Gln; replaces lysine 81 with glutamine.
Molecular consequence: missense variant.
Genome position (GRCh38, 1-based): chr7:44,118,044, T>G on the plus strand (A>C on the coding strand, the complement: POLD2 is on the minus strand). VCF-style: chr7-44118044-T-G. GRCh37 (hg19) VCF-style: chr7-44157643-T-G.
Other names: c.241A>C, p.Lys81Gln (NM_001127218.3, NM_001256879.2); short protein forms K81Q.
Identifiers: ClinVar variation 2079038 (VCV002079038.4), dbSNP rs2484396625, ClinGen allele CA367385451.